The following is an entry in ClinVar:

ClinVar aggregate classification (germline): Likely benign (1 of 4 stars; one submission).

Submission:

CeGaT Center for Human Genetics Tuebingen
Classification: Likely benign. Last evaluated: 2025-07-01. Review status: criteria provided, single submitter. Criteria: CeGaT Center For Human Genetics Tuebingen Variant Classification Criteria Version 2. Collection method: clinical testing. Allele origin: germline. Affected: yes. Observed: 1 variant allele.
Comment: KDM3B: PM2:Supporting, BP4, BP7

NM_016604.4(KDM3B):c.90G>C (p.Ala30=)

Genes: KDM3B (lysine demethylase 3B; plus strand), LOC129994737 (ATAC-STARR-seq lymphoblastoid silent region 16394; plus strand). Cytogenetic location: 5q31.2.
Variant type: single nucleotide variant.
Coding change: c.90G>C on transcript NM_016604.4 (MANE Select); coding-DNA position 90, G replaced by C.
Protein change: p.Ala30=; no amino-acid change (alanine 30 retained).
Molecular consequence: synonymous variant.
Genome position (GRCh38, 1-based): chr5:138,352,885, G>C. VCF-style: chr5-138352885-G-C. GRCh37 (hg19) VCF-style: chr5-137688574-G-C.
Identifiers: ClinVar variation 4085468 (VCV004085468.8).